The following is an entry in ClinVar:

NM_003227.4(TFR2):c.849+6T>A

Gene: TFR2 (transferrin receptor 2; minus strand). Cytogenetic location: 7q22.1.
Variant type: single nucleotide variant.
Coding change: c.849+6T>A on transcript NM_003227.4 (MANE Select); 6 bases into the intron after coding-DNA position 849, T replaced by A.
Molecular consequence: intron variant.
Genome position (GRCh38, 1-based): chr7:100,632,995, A>T on the plus strand (T>A on the coding strand, the complement: TFR2 is on the minus strand). VCF-style: chr7-100632995-A-T. GRCh37 (hg19) VCF-style: chr7-100230618-A-T.
Other names: c.336+6T>A (NM_001206855.3).
Identifiers: ClinVar variation 358294 (VCV000358294.45), dbSNP rs41303468, ClinGen allele CA4386696.

ClinVar aggregate classification (germline): Benign/Likely benign. Review status: criteria provided, multiple submitters, no conflicts (2 of 4 stars). 6 submissions from 6 submitters: Benign (3); Likely benign (1). 2 of the submissions do not count toward it. Last evaluated 2026-01-26.

Conditions:
TFR2-related disorder. Also called: TFR2-related condition.
Hereditary hemochromatosis (HFE). Identifiers: MedGen C0392514, MONDO:0006507. Disease mechanism: loss of function.
Hemochromatosis type 3 (HFE3). Also called: Hereditary hemochromatosis type 3; HEMOCHROMATOSIS DUE TO DEFECT IN TRANSFERRIN RECEPTOR 2; TFR2-Related Hemochromatosis. Identifiers: Orphanet 225123, MedGen C1858664, MONDO:0011417, OMIM 604250.

Allele frequency attached by ClinVar (database versions not stated): gnomAD exomes 0.00031 and 0.00110; gnomAD 0.00036 and 0.00051; TOPMed 0.00072; ExAC 0.00124; 1000 Genomes Project 30x 0.00250; 1000 Genomes Project 0.00280.
gnomAD v4.1: 524 of 1,613,614 alleles (0.032%); highest among the groups gnomAD compares: East Asian, 1.1%; 3 homozygotes.

Submissions (8):

Labcorp Genetics (formerly Invitae), Labcorp
Classification: Benign for Hereditary hemochromatosis. Last evaluated: 2026-01-26. Review status: criteria provided, single submitter. Criteria: Invitae Variant Classification Sherloc (09022015). Collection method: clinical testing. Allele origin: germline.

Blueprint Genetics
Classification: Likely benign. Last evaluated: 2024-11-08. Review status: criteria provided, single submitter. Criteria: ACMG Guidelines, 2015. Collection method: clinical testing. Allele origin: germline.

CeGaT Center for Human Genetics Tuebingen
Classification: Benign. Last evaluated: 2023-10-01. Review status: criteria provided, single submitter. Criteria: CeGaT Center For Human Genetics Tuebingen Variant Classification Criteria Version 2. Collection method: clinical testing. Allele origin: germline. Affected: yes. Observed: 1 variant allele.
Comment: TFR2: BP4, BS1, BS2

Illumina Laboratory Services, Illumina
Classification: Benign for Hemochromatosis type 3. Last evaluated: 2018-01-13. Review status: criteria provided, single submitter. Criteria: ICSL Variant Classification Criteria 13 December 2019. Collection method: clinical testing. Allele origin: germline.
Comment: This variant was observed in the ICSL laboratory as part of a predisposition screen in an ostensibly healthy population. It had not been previously curated by ICSL or reported in the Human Gene Mutation Database (HGMD: prior to June 1st, 2018), and was therefore a candidate for classification through an automated scoring system. Utilizing variant allele frequency, disease prevalence and penetrance estimates, and inheritance mode, an automated score was calculated to assess if this variant is too frequent to cause the disease. Based on the score and internal cut-off values, a variant classified as benign is not then subjected to further curation. The score for this variant resulted in a classification of benign for this disease.

Natera, Inc.
Classification: Benign for Hereditary hemochromatosis type 3. Last evaluated: 2020-09-16. Review status: no assertion criteria provided. Collection method: clinical testing. Allele origin: germline. Not counted in ClinVar's aggregate classification.

PreventionGenetics, part of Exact Sciences
Classification: Benign for TFR2-related condition. Last evaluated: 2019-04-05. Review status: no assertion criteria provided. Collection method: clinical testing. Allele origin: germline. Not counted in ClinVar's aggregate classification.
Comment: This variant is classified as benign based on ACMG/AMP sequence variant interpretation guidelines (Richards et al. 2015 PMID: 25741868, with internal and published modifications).

Dr. Peter K. Rogan Lab, Western University
No classification provided (evidence only). Condition: Malignant tumor of esophagus. Review status: no classification provided. Collection method: in vitro. Allele origin: not applicable. Functional consequence: retained intron. Not counted in ClinVar's aggregate classification.

Dr. Peter K. Rogan Lab, Western University
No classification provided (evidence only). Condition: Hepatocellular carcinoma. Review status: no classification provided. Collection method: in vitro. Allele origin: not applicable. Functional consequence: retained intron. Not counted in ClinVar's aggregate classification.